The following is an entry in ClinVar:

ClinVar aggregate classification (germline): Uncertain significance (1 of 4 stars; one submission).

Conditions:
Familial cancer of breast. Also called: Hereditary breast cancer; hereditary breast carcinoma; BREAST CANCER, FAMILIAL. Identifiers: Orphanet 227535, MedGen C0346153, MONDO:0016419, OMIM 114480. Disease mechanism: loss of function.

Submission:

Labcorp Genetics (formerly Invitae), Labcorp
Classification: Uncertain significance for Familial cancer of breast. Last evaluated: 2025-11-22. Review status: criteria provided, single submitter. Criteria: Invitae Variant Classification Sherloc (09022015). Collection method: clinical testing. Allele origin: germline.
Comment: This sequence change affects an acceptor splice site in intron 11 of the CHEK2 gene. RNA analysis indicates that disruption of this splice site induces altered splicing and likely results in the loss of 2 amino acid residue(s), but is expected to preserve the integrity of the reading-frame. This variant is not present in population databases (gnomAD no frequency). This variant has not been reported in the literature in individuals affected with CHEK2-related conditions. Studies have shown that disruption of this splice site results in the activation of a cryptic splice site in exon 12 (internal data). In summary, the available evidence is currently insufficient to determine the role of this variant in disease. Therefore, it has been classified as a Variant of Uncertain Significance.

NM_007194.4(CHEK2):c.1260-1G>C

Gene: CHEK2 (checkpoint kinase 2; minus strand). Cytogenetic location: 22q12.1.
Variant type: single nucleotide variant.
Coding change: c.1260-1G>C on transcript NM_007194.4 (MANE Select); the canonical splice acceptor site of the intron before coding-DNA position 1260, G replaced by C.
Molecular consequence: splice acceptor variant.
Genome position (GRCh38, 1-based): chr22:28,695,243, C>G on the plus strand (G>C on the coding strand, the complement: CHEK2 is on the minus strand). VCF-style: chr22-28695243-C-G. GRCh37 (hg19) VCF-style: chr22-29091231-C-G.
Other names: c.597-1G>C (NM_001437942.1, NM_001257387.3); c.1059-1G>C (NM_001349956.3); c.1173-1G>C (NM_145862.3); c.1266-1G>C (NM_001438295.1); c.1353-1G>C (NM_001438293.1); c.1302-1G>C (NM_001438294.1); c.1389-1G>C (NM_001005735.3).
Identifiers: ClinVar variation 4731671 (VCV004731671.1).
Genomic context (GRCh38, chr22:28,695,243, plus strand): 5'-ATCTGATCCTTCAGTGACACTTGAGTCCTATGCTCAGAGAAAGGTGGATACCCACTAAGG[C>G]TTAATATTGGTAGAGAGAGAAAGGAAAAGAAATCAAGTGGCATTCTCAGTGGCATTCAGA-3'